The following is an entry in ClinVar:

ClinVar aggregate classification (germline): Pathogenic (1 of 4 stars; one submission).

Conditions:
RASopathy. Also called: rasopathies; Noonan spectrum disorder. Identifiers: Orphanet 536391, MedGen C5555857, MONDO:0021060.

Submission:

GeneDx
Classification: Pathogenic for Rasopathy. Last evaluated: 2012-05-13. Review status: criteria provided, single submitter. Criteria: GeneDx Variant Classification (06012015). Collection method: clinical testing. Allele origin: germline. Affected: yes.
Comment: This mutation is denoted c.1076_1087delACCATATCAAAG at the cDNA level and p.Asp359_Lys362del at the protein level. The c.1076_1087del12 mutation in exon 7 of the CBL gene (NM_005188.2) has not been published as a mutation or as a benign polymorphism to our knowledge. This in-frame deletion is predicted to result in the loss of four amino acids from the highly conserved linker region of the CBL protein. According to the Catalogue of Somatic Mutations in Cancer (COSMIC) database, other adjacent in-frame deletions have been reported in association with acute and chronic myelomonocytic leukemia. The variant is found in NOONAN panel(s).

NM_005188.4(CBL):c.1076_1087del (p.Asp359_Lys362del)

Gene: CBL (Cbl proto-oncogene; plus strand). Cytogenetic location: 11q23.3.
Variant type: Deletion.
Coding change: c.1076_1087del on transcript NM_005188.4 (MANE Select); coding-DNA positions 1076 to 1087, 12 bases deleted (ACCATATCAAAG).
Protein change: p.Asp359_Lys362del.
Molecular consequence: inframe deletion.
Genome position (GRCh38, 1-based): chr11:119,277,825-119,277,836, ACCATATCAAAG deleted; deleting any 12 consecutive bases within chr11:119,277,822-119,277,836 gives the same sequence; the c. name uses the placement nearest the transcript's 3' end. VCF-style (leftmost placement, unchanged base first): chr11-119277821-CAAGACCATATCA-C. GRCh37 (hg19) VCF-style: chr11-119148531-CAAGACCATATCA-C.
Other names: c.1076_1087delACCATATCAAAG (NM_005188.2).
Identifiers: ClinVar variation 40404 (VCV000040404.1), dbSNP rs397507490, ClinGen allele CA282018.
Genomic context (GRCh38, chr11:119,277,821, plus strand): 5'-TTGTTTCCTGATGGACGAAATCAGAATCCTGATCTGACTGGCTTATGTGAACCAACTCCC[CAAGACCATATCA>C]AAGTGACCCAGGTGAGTTTTGTTTCACATGATAACCATATCACTGGACACAAGCTTTAGT-3'